The following is an entry in ClinVar:

ClinVar aggregate classification (germline): Pathogenic (1 of 4 stars; one submission).

Conditions:
Filippi syndrome (FLPIS). Identifiers: Orphanet 3255, MedGen C0795940, MONDO:0010092, OMIM 272440.

Submission:

3billion
Classification: Pathogenic for Filippi syndrome. Last evaluated: 2025-11-18. Review status: criteria provided, single submitter. Criteria: ACMG Guidelines, 2015. Collection method: clinical testing. Allele origin: germline. Affected: yes.
Comment: The variant is not observed in the gnomAD v4.1.0 dataset. Predicted Consequence/Location: Stop-gained (nonsense): predicted to result in a loss or disruption of normal protein function through nonsense-mediated decay (NMD) or protein truncation. Multiple pathogenic variants are reported downstream of the variant. Therefore, this variant is classified as Pathogenic according to the recommendation of ACMG/AMP guideline.

NM_152515.5(CKAP2L):c.1366A>T (p.Lys456Ter)

Gene: CKAP2L (cytoskeleton associated protein 2L; minus strand). Cytogenetic location: 2q14.1.
Variant type: single nucleotide variant.
Coding change: c.1366A>T on transcript NM_152515.5 (MANE Select); coding-DNA position 1366, A replaced by T.
Protein change: p.Lys456Ter; replaces lysine 456 with a stop codon.
Molecular consequence: nonsense. On other transcripts: non-coding transcript variant (1).
Genome position (GRCh38, 1-based): chr2:112,756,005, T>A on the plus strand (A>T on the coding strand, the complement: CKAP2L is on the minus strand). VCF-style: chr2-112756005-T-A. GRCh37 (hg19) VCF-style: chr2-113513582-T-A.
Other names: c.871A>T, p.Lys291Ter (NM_001304361.2); short protein forms K291*, K456*.
Identifiers: ClinVar variation 4855688 (VCV004855688.1).